The following is an entry in ClinVar:

NM_001297.5(CNGB1):c.428C>T (p.Pro143Leu)

Gene: CNGB1 (cyclic nucleotide gated channel subunit beta 1; minus strand). Cytogenetic location: 16q21.
Variant type: single nucleotide variant.
Coding change: c.428C>T on transcript NM_001297.5 (MANE Select); coding-DNA position 428, C replaced by T.
Protein change: p.Pro143Leu; replaces proline 143 with leucine.
Molecular consequence: missense variant.
Genome position (GRCh38, 1-based): chr16:57,962,595, G>A on the plus strand (C>T on the coding strand, the complement: CNGB1 is on the minus strand). VCF-style: chr16-57962595-G-A. GRCh37 (hg19) VCF-style: chr16-57996499-G-A.
Other names: c.428C>T, p.Pro143Leu (NM_001135639.2, NM_001286130.2); short protein forms P143L.
Identifiers: ClinVar variation 937801 (VCV000937801.9), dbSNP rs1962285916, ClinGen allele CA396078633.

ClinVar aggregate classification (germline): Uncertain significance (1 of 4 stars; one submission).

Allele frequency attached by ClinVar (database versions not stated): TOPMed below 0.00001.

Submission:

Labcorp Genetics (formerly Invitae), Labcorp
Classification: Uncertain significance. Last evaluated: 2019-10-03. Review status: criteria provided, single submitter. Criteria: Invitae Variant Classification Sherloc (09022015). Collection method: clinical testing. Allele origin: germline.
Comment: This sequence change replaces proline with leucine at codon 143 of the CNGB1 protein (p.Pro143Leu). The proline residue is weakly conserved and there is a moderate physicochemical difference between proline and leucine. This variant is not present in population databases (ExAC no frequency). This variant has not been reported in the literature in individuals with CNGB1-related conditions. Algorithms developed to predict the effect of missense changes on protein structure and function output the following: SIFT: "Deleterious"; PolyPhen-2: "Benign"; Align-GVGD: "Class C0". The leucine amino acid residue is found in multiple mammalian species, suggesting that this missense change does not adversely affect protein function. These predictions have not been confirmed by published functional studies and their clinical significance is uncertain. In summary, the available evidence is currently insufficient to determine the role of this variant in disease. Therefore, it has been classified as a Variant of Uncertain Significance.